The following is an entry in ClinVar:

NM_000090.4(COL3A1):c.3057T>C (p.Asp1019=)

Gene: COL3A1 (collagen type III alpha 1 chain; plus strand). Cytogenetic location: 2q32.2.
Variant type: single nucleotide variant.
Coding change: c.3057T>C on transcript NM_000090.4 (MANE Select); coding-DNA position 3057, T replaced by C.
Protein change: p.Asp1019=; no amino-acid change (aspartic acid 1019 retained).
Molecular consequence: synonymous variant.
Genome position (GRCh38, 1-based): chr2:189,006,223, T>C. VCF-style: chr2-189006223-T-C. GRCh37 (hg19) VCF-style: chr2-189870949-T-C.
Identifiers: ClinVar variation 921880 (VCV000921880.27), dbSNP rs151192026, ClinGen allele CA075825.

ClinVar aggregate classification (germline): Likely benign. Review status: criteria provided, multiple submitters, no conflicts (2 of 4 stars). 5 submissions from 5 submitters: Likely benign (5). Last evaluated 2026-04-27.

Conditions:
Familial thoracic aortic aneurysm and aortic dissection (TAAD). Also called: Thoracic aortic aneurysms and dissections. Identifiers: Orphanet 91387, MedGen C4707243, MONDO:0019625.
Ehlers-Danlos syndrome, type 4 (EDSVASC). Also called: Ehlers-Danlos Syndrome Type IV; Ehlers-Danlos syndrome vascular type; Ehlers Danlos syndrome, ecchymotic type; Ehlers Danlos syndrome, arterial type; Ehlers Danlos syndrome, Sack-Barabas type. Identifiers: Orphanet 286, MedGen C0268338, MONDO:0017314, OMIM 130050.

Allele frequency attached by ClinVar (database versions not stated): ExAC 0.00001; gnomAD 0.00001 and 0.00002; TOPMed 0.00001; ESP Exome Variant Server 0.00008.
gnomAD v4.1: 5 of 1,614,112 alleles (0.00031%); highest among the groups gnomAD compares: Non-Finnish European, 0.00034%; no homozygotes.

Submissions (5):

Women's Health and Genetics/Laboratory Corporation of America, LabCorp
Classification: Likely benign. Last evaluated: 2026-04-27. Review status: criteria provided, single submitter. Criteria: LabCorp Variant Classification Summary - May 2015. Collection method: clinical testing. Allele origin: germline.

CeGaT Center for Human Genetics Tuebingen
Classification: Likely benign. Last evaluated: 2024-04-01. Review status: criteria provided, single submitter. Criteria: CeGaT Center For Human Genetics Tuebingen Variant Classification Criteria Version 2. Collection method: clinical testing. Allele origin: germline. Affected: yes. Observed: 1 variant allele.
Comment: COL3A1: BP4, BP7

Labcorp Genetics (formerly Invitae), Labcorp
Classification: Likely benign for Ehlers-Danlos syndrome, type 4. Last evaluated: 2024-01-01. Review status: criteria provided, single submitter. Criteria: Invitae Variant Classification Sherloc (09022015). Collection method: clinical testing. Allele origin: germline.

All of Us Research Program, National Institutes of Health
Classification: Likely benign for Ehlers-Danlos syndrome, type 4. Last evaluated: 2023-12-01. Review status: criteria provided, single submitter. Criteria: ACMG Guidelines, 2015. Collection method: clinical testing. Allele origin: germline. Inheritance: Autosomal dominant inheritance. Observed: 1 variant allele, 1 heterozygote.
Comment: This study involves interpretation of variants in research participants for the purpose of population health screening. Participant phenotype was not available at the time of variant classification. Additional details can be found in publication PMID: 35346344, PMCID: PMC8962531

Color Diagnostics, LLC DBA Color Health
Classification: Likely benign for Familial thoracic aortic aneurysm and aortic dissection. Last evaluated: 2018-10-30. Review status: criteria provided, single submitter. Criteria: ACMG Guidelines, 2015. Collection method: clinical testing. Allele origin: germline.